The following is an entry in ClinVar:

ClinVar aggregate classification (germline): Likely benign. Review status: criteria provided, multiple submitters, no conflicts (2 of 4 stars). 2 submissions from 2 submitters: Likely benign (2). Last evaluated 2023-01-01.

Conditions:
Sulfite oxidase deficiency. Also called: Isolated sulfite oxidase deficiency. Identifiers: Orphanet 833, Orphanet 99731, MedGen C0268624, MONDO:0010089, OMIM 272300, HP:0003643.

Allele frequency attached by ClinVar (database versions not stated): 1000 Genomes Project 30x 0.00172; 1000 Genomes Project 0.00180; gnomAD 0.00611 and 0.00634; TOPMed 0.00434.

Submissions (2):

CeGaT Center for Human Genetics Tuebingen
Classification: Likely benign. Last evaluated: 2023-01-01. Review status: criteria provided, single submitter. Criteria: CeGaT Center For Human Genetics Tuebingen Variant Classification Criteria Version 2. Collection method: clinical testing. Allele origin: germline. Affected: yes. Observed: 1 variant allele.
Comment: SUOX: BS2

Illumina Laboratory Services, Illumina
Classification: Likely benign for Sulfite oxidase deficiency. Last evaluated: 2018-01-13. Review status: criteria provided, single submitter. Criteria: ICSL Variant Classification Criteria 13 December 2019. Collection method: clinical testing. Allele origin: germline.
Comment: This variant was observed in the ICSL laboratory as part of a predisposition screen in an ostensibly healthy population. It had not been previously curated by ICSL or reported in the Human Gene Mutation Database (HGMD: prior to June 1st, 2018), and was therefore a candidate for classification through an automated scoring system. Utilizing variant allele frequency, disease prevalence and penetrance estimates, and inheritance mode, an automated score was calculated to assess if this variant is too frequent to cause the disease. Based on the score and internal cut-off values, a variant classified as likely benign is not then subjected to further curation. The score for this variant resulted in a classification of likely benign for this disease.

NM_000456.2(SUOX):c.-326A>T

Gene: SUOX (sulfite oxidase; plus strand). Cytogenetic location: 12q13.2.
Variant type: single nucleotide variant.
Coding change: c.-326A>T on transcript NM_000456.2; 326 bases upstream of the start codon, A replaced by T.
Genome position (GRCh38, 1-based): chr12:55,997,259, A>T. VCF-style: chr12-55997259-A-T. GRCh37 (hg19) VCF-style: chr12-56391043-A-T.
Identifiers: ClinVar variation 309820 (VCV000309820.29), dbSNP rs143315090, ClinGen allele CA10633302.